The following is an entry in ClinVar:

ClinVar aggregate classification (germline): Pathogenic (1 of 4 stars; one submission).

Conditions:
Joubert syndrome. Also called: JOUBERT-BOLTSHAUSER SYNDROME; Familial aplasia of the vermis. Identifiers: Orphanet 475, MedGen C5979921, MONDO:0018772.
Meckel-Gruber syndrome. Also called: DYSENCEPHALIA SPLANCHNOCYSTICA; GRUBER SYNDROME; Dysencephalia splachnocystica. Identifiers: Orphanet 564, MedGen C0265215, MONDO:0018921.

Submission:

Labcorp Genetics (formerly Invitae), Labcorp
Classification: Pathogenic for Joubert syndrome; Meckel-Gruber syndrome. Last evaluated: 2023-08-28. Review status: criteria provided, single submitter. Criteria: Invitae Variant Classification Sherloc (09022015). Collection method: clinical testing. Allele origin: germline.
Comment: This sequence change creates a premature translational stop signal (p.Asp1157Thrfs*3) in the CC2D2A gene. It is expected to result in an absent or disrupted protein product. Loss-of-function variants in CC2D2A are known to be pathogenic (PMID: 19777577). This variant is not present in population databases (gnomAD no frequency). This variant has not been reported in the literature in individuals affected with CC2D2A-related conditions. For these reasons, this variant has been classified as Pathogenic.

Literature cited by the submitters: PubMed 19777577.

NM_001378615.1(CC2D2A):c.3469_3476del (p.Asp1157fs)

Genes: CC2D2A (coiled-coil and C2 domain containing 2A; plus strand), FBXL5 (F-box and leucine rich repeat protein 5; minus strand). Cytogenetic location: 4p15.32.
Variant type: Deletion.
Coding change: c.3469_3476del on transcript NM_001378615.1 (MANE Select); coding-DNA positions 3469 to 3476, 8 bases deleted (GATGAAGT; older notation c.3469_3476delGATGAAGT).
Protein change: p.Asp1157fs; shifts the reading frame from aspartic acid 1157.
Molecular consequence: frameshift variant.
Genome position (GRCh38, 1-based): chr4:15,569,363-15,569,370, GATGAAGT deleted; deleting any 8 consecutive bases within chr4:15,569,362-15,569,370 gives the same sequence; the c. name uses the placement nearest the transcript's 3' end. VCF-style (leftmost placement, unchanged base first): chr4-15569361-TTGATGAAG-T. GRCh37 (hg19) VCF-style: chr4-15570984-TTGATGAAG-T.
Other names: c.3469_3476del, p.Asp1157fs (NM_001080522.2); c.3322_3329del, p.Asp1108fs (NM_001378617.1); short protein forms D1157fs, D1108fs.
Identifiers: ClinVar variation 2940716 (VCV002940716.3), dbSNP rs2475079967, ClinGen allele CA2670077022.